The following is an entry in ClinVar:

NM_014159.7(SETD2):c.6482A>C (p.His2161Pro)

Gene: SETD2 (SET domain containing 2, histone lysine methyltransferase; minus strand). Cytogenetic location: 3p21.31.
Variant type: single nucleotide variant.
Coding change: c.6482A>C on transcript NM_014159.7 (MANE Select); coding-DNA position 6482, A replaced by C.
Protein change: p.His2161Pro; replaces histidine 2161 with proline.
Molecular consequence: missense variant. On other transcripts: non-coding transcript variant (1).
Genome position (GRCh38, 1-based): chr3:47,057,302, T>G on the plus strand (A>C on the coding strand, the complement: SETD2 is on the minus strand). VCF-style: chr3-47057302-T-G. GRCh37 (hg19) VCF-style: chr3-47098792-T-G.
Other names: c.6350A>C, p.His2117Pro (NM_001349370.3); short protein forms H2161P, H2117P.
Identifiers: ClinVar variation 654595 (VCV000654595.5), dbSNP rs1575701343, ClinGen allele CA352520875.

ClinVar aggregate classification (germline): Uncertain significance (1 of 4 stars; one submission).

Conditions:
Luscan-Lumish syndrome. Identifiers: Orphanet 597738, MedGen C4085873, MONDO:0014791, OMIM 616831.

Submission:

Labcorp Genetics (formerly Invitae), Labcorp
Classification: Uncertain significance for Luscan-Lumish syndrome. Last evaluated: 2018-11-13. Review status: criteria provided, single submitter. Criteria: Invitae Variant Classification Sherloc (09022015). Collection method: clinical testing. Allele origin: germline.
Comment: In summary, the available evidence is currently insufficient to determine the role of this variant in disease. Therefore, it has been classified as a Variant of Uncertain Significance. Algorithms developed to predict the effect of missense changes on protein structure and function are either unavailable or do not agree on the potential impact of this missense change (SIFT: "Tolerated"; PolyPhen-2: "Probably Damaging"; Align-GVGD: "Class C0"). This variant has not been reported in the literature in individuals with SETD2-related disease. This variant is not present in population databases (ExAC no frequency). This sequence change replaces histidine with proline at codon 2161 of the SETD2 protein (p.His2161Pro). The histidine residue is moderately conserved and there is a moderate physicochemical difference between histidine and proline.